The following is an entry in ClinVar:

NM_000186.4(CFH):c.146T>C (p.Ile49Thr)

Gene: CFH (complement factor H; plus strand). Cytogenetic location: 1q31.3.
Variant type: single nucleotide variant.
Coding change: c.146T>C on transcript NM_000186.4 (MANE Select); coding-DNA position 146, T replaced by C.
Protein change: p.Ile49Thr; replaces isoleucine 49 with threonine.
Molecular consequence: missense variant.
Genome position (GRCh38, 1-based): chr1:196,673,065, T>C. VCF-style: chr1-196673065-T-C. GRCh37 (hg19) VCF-style: chr1-196642195-T-C.
Other names: c.146T>C, p.Ile49Thr (NM_001014975.3); short protein forms I49T.
Identifiers: ClinVar variation 2798888 (VCV002798888.3), dbSNP rs2529329503, ClinGen allele CA343995860.

ClinVar aggregate classification (germline): Uncertain significance (1 of 4 stars; one submission).

Submission:

Labcorp Genetics (formerly Invitae), Labcorp
Classification: Uncertain significance. Last evaluated: 2023-07-22. Review status: criteria provided, single submitter. Criteria: Invitae Variant Classification Sherloc (09022015). Collection method: clinical testing. Allele origin: germline.
Comment: In summary, the available evidence is currently insufficient to determine the role of this variant in disease. Therefore, it has been classified as a Variant of Uncertain Significance. Algorithms developed to predict the effect of missense changes on protein structure and function output the following: SIFT: "Not Available"; PolyPhen-2: "Benign"; Align-GVGD: "Not Available". The threonine amino acid residue is found in multiple mammalian species, which suggests that this missense change does not adversely affect protein function. This variant has not been reported in the literature in individuals affected with CFH-related conditions. This variant is not present in population databases (gnomAD no frequency). This sequence change replaces isoleucine, which is neutral and non-polar, with threonine, which is neutral and polar, at codon 49 of the CFH protein (p.Ile49Thr).